The following is an entry in ClinVar:

ClinVar aggregate classification (germline): Uncertain significance (1 of 4 stars; one submission).

Conditions:
ALG8 congenital disorder of glycosylation. Also called: CDG Ih; ALG8-CDG; CONGENITAL DISORDER OF GLYCOSYLATION, TYPE Ih. Identifiers: Orphanet 79325, MedGen C2931002, MONDO:0011969, OMIM 608104.

Allele frequency attached by ClinVar (database versions not stated): ExAC 0.00001; gnomAD 0.00001; TOPMed 0.00001.

Submission:

Labcorp Genetics (formerly Invitae), Labcorp
Classification: Uncertain significance for ALG8 congenital disorder of glycosylation. Last evaluated: 2023-11-25. Review status: criteria provided, single submitter. Criteria: Invitae Variant Classification Sherloc (09022015). Collection method: clinical testing. Allele origin: germline.
Comment: This sequence change replaces leucine, which is neutral and non-polar, with phenylalanine, which is neutral and non-polar, at codon 301 of the ALG8 protein (p.Leu301Phe). This variant is present in population databases (rs761737089, gnomAD 0.003%). This variant has not been reported in the literature in individuals affected with ALG8-related conditions. Advanced modeling of protein sequence and biophysical properties (such as structural, functional, and spatial information, amino acid conservation, physicochemical variation, residue mobility, and thermodynamic stability) performed at Invitae indicates that this missense variant is not expected to disrupt ALG8 protein function with a negative predictive value of 80%. In summary, the available evidence is currently insufficient to determine the role of this variant in disease. Therefore, it has been classified as a Variant of Uncertain Significance.

NM_024079.5(ALG8):c.903G>C (p.Leu301Phe)

Gene: ALG8 (ALG8 alpha-1,3-glucosyltransferase; minus strand). Cytogenetic location: 11q14.1.
Variant type: single nucleotide variant.
Coding change: c.903G>C on transcript NM_024079.5 (MANE Select); coding-DNA position 903, G replaced by C.
Protein change: p.Leu301Phe; replaces leucine 301 with phenylalanine.
Molecular consequence: missense variant.
Genome position (GRCh38, 1-based): chr11:78,109,577, C>G on the plus strand (G>C on the coding strand, the complement: ALG8 is on the minus strand). VCF-style: chr11-78109577-C-G. GRCh37 (hg19) VCF-style: chr11-77820623-C-G.
Other names: c.903G>C, p.Leu301Phe (NM_001007027.3, NM_001425222.1, NM_001425225.1 and 4 more transcripts); c.906G>C, p.Leu302Phe (NM_001425219.1); c.888G>C, p.Leu296Phe (NM_001425220.1); c.897G>C, p.Leu299Phe (NM_001425223.1); c.996G>C, p.Leu332Phe (NM_001425224.1); c.750G>C, p.Leu250Phe (NM_001425226.1, NM_001425236.1); c.702G>C, p.Leu234Phe (NM_001425231.1); c.639G>C, p.Leu213Phe (NM_001425234.1, NM_001425239.1); and 2 more; short protein forms L116F, L250F, L302F, L332F, L213F, L296F, L301F, L129F.
Identifiers: ClinVar variation 2889819 (VCV002889819.3), dbSNP rs761737089, ClinGen allele CA6203266.
Genomic context (GRCh38, chr11:78,109,577, plus strand): 5'-AACCAAACCACTTGTCATTGAGGCCTTGGGAATATTGTTGGGATCAAGAAATTTCAATTT[C>G]AAACCTATTAAACAGATATTTTGTTTTGTTTTATTTTTATCTTTATTACTGAGATACCAT-3'
Protein context (NP_076984.2, residues 291-311): ALDKVLSVIG[Leu301Phe]KLKFLDPNNI